The following is an entry in ClinVar:

NM_005568.5(LHX1):c.1020G>A (p.Ala340=)

Gene: LHX1 (LIM homeobox 1; plus strand). Cytogenetic location: 17q12.
Variant type: single nucleotide variant.
Coding change: c.1020G>A on transcript NM_005568.5 (MANE Select); coding-DNA position 1020, G replaced by A.
Protein change: p.Ala340=; no amino-acid change (alanine 340 retained).
Molecular consequence: synonymous variant.
Genome position (GRCh38, 1-based): chr17:36,942,930, G>A. VCF-style: chr17-36942930-G-A. GRCh37 (hg19) VCF-style: chr17-35300227-G-A.
Identifiers: ClinVar variation 3056351 (VCV003056351.2), dbSNP rs201825686, ClinGen allele CA8513836.

ClinVar aggregate classification (germline): Likely benign (0 of 4 stars; one submission).

Conditions:
LHX1-related disorder. Also called: LHX1-related condition.

Allele frequency attached by ClinVar (database versions not stated): ESP Exome Variant Server 0.00016; TOPMed 0.00019; 1000 Genomes Project 30x 0.00031; gnomAD exomes 0.00035; gnomAD 0.00036; 1000 Genomes Project 0.00040; ExAC 0.00105.
gnomAD v4.1: 568 of 1,605,792 alleles (0.035%); highest among the groups gnomAD compares: Non-Finnish European, 0.032%; 2 homozygotes.

Submission:

PreventionGenetics, part of Exact Sciences
Classification: Likely benign for LHX1-related condition. Last evaluated: 2019-05-02. Review status: no assertion criteria provided. Collection method: clinical testing. Allele origin: germline.
Comment: This variant is classified as likely benign based on ACMG/AMP sequence variant interpretation guidelines (Richards et al. 2015 PMID: 25741868, with internal and published modifications).